The following is an entry in ClinVar:

ClinVar aggregate classification (germline): Conflicting classifications of pathogenicity. Review status: criteria provided, conflicting classifications (1 of 4 stars). 5 submissions from 5 submitters: Uncertain significance (4); Likely benign (1). Last evaluated 2025-11-25.

Conditions:
Hereditary breast ovarian cancer syndrome. Also called: Hereditary breast and ovarian cancer; Breast and ovarian cancer; Hereditary breast and ovarian cancer syndrome; Hereditary breast and/or ovarian cancer syndrome; BRCA1- and BRCA2-Associated Hereditary Breast and Ovarian Cancer; Hereditary breast and ovarian cancer syndrome (HBOC). Identifiers: Orphanet 145, MedGen C0677776, MeSH D061325, MONDO:0003582. Disease mechanism: loss of function.
BRCA2-related cancer predisposition. Identifiers: MedGen CN377758, MONDO:0700269.
Hereditary cancer-predisposing syndrome. Also called: Hereditary Cancer Syndrome; Hereditary neoplastic syndrome; Neoplastic Syndromes, Hereditary; Tumor predisposition. Identifiers: Orphanet 140162, MedGen C0027672, MeSH D009386, MONDO:0015356.

Allele frequency attached by ClinVar (database versions not stated): gnomAD exomes below 0.00001.

Submissions (5):

Labcorp Genetics (formerly Invitae), Labcorp
Classification: Uncertain significance for Hereditary breast ovarian cancer syndrome. Last evaluated: 2025-11-25. Review status: criteria provided, single submitter. Criteria: Invitae Variant Classification Sherloc (09022015). Collection method: clinical testing. Allele origin: germline.
Comment: This sequence change replaces asparagine, which is neutral and polar, with serine, which is neutral and polar, at codon 255 of the BRCA2 protein (p.Asn255Ser). This variant is not present in population databases (gnomAD no frequency). This variant has not been reported in the literature in individuals affected with BRCA2-related conditions. ClinVar contains an entry for this variant (Variation ID: 441421). Invitae Evidence Modeling of protein sequence and biophysical properties (such as structural, functional, and spatial information, amino acid conservation, physicochemical variation, residue mobility, and thermodynamic stability) indicates that this missense variant is not expected to disrupt BRCA2 protein function with a negative predictive value of 95%. In summary, the available evidence is currently insufficient to determine the role of this variant in disease. Therefore, it has been classified as a Variant of Uncertain Significance.

Ambry Genetics
Classification: Likely benign for Hereditary cancer-predisposing syndrome. Last evaluated: 2025-01-21. Review status: criteria provided, single submitter. Criteria: Ambry Variant Classification Scheme 2023. Collection method: clinical testing. Allele origin: germline.

All of Us Research Program, National Institutes of Health
Classification: Uncertain significance for BRCA2-related cancer predisposition. Last evaluated: 2024-08-06. Review status: criteria provided, single submitter. Criteria: ACMG Guidelines, 2015. Collection method: clinical testing. Allele origin: germline. Inheritance: Autosomal dominant inheritance. Observed: 3 variant alleles, 3 heterozygotes.
Comment: This missense variant replaces asparagine with serine at codon 255 of the BRCA2 protein. Computational prediction suggests that this variant may not impact protein structure and function (internally defined REVEL score threshold <= 0.5, PMID: 27666373). To our knowledge, functional studies have not been reported for this variant. This variant has not been reported in individuals affected with BRCA2-related disorders in the literature. This variant has not been identified in the general population by the Genome Aggregation Database (gnomAD). The available evidence is insufficient to determine the role of this variant in disease conclusively. Therefore, this variant is classified as a Variant of Uncertain Significance.

This study involves interpretation of variants in research participants for the purpose of population health screening. Participant phenotype was not available at the time of variant classification. Additional details can be found in publication PMID: 35346344, PMCID: PMC8962531

Color Diagnostics, LLC DBA Color Health
Classification: Uncertain significance for Hereditary cancer-predisposing syndrome. Last evaluated: 2023-05-17. Review status: criteria provided, single submitter. Criteria: ACMG Guidelines, 2015. Collection method: clinical testing. Allele origin: germline.
Comment: This missense variant replaces asparagine with serine at codon 255 of the BRCA2 protein. Computational prediction suggests that this variant may not impact protein structure and function (internally defined REVEL score threshold <= 0.5, PMID: 27666373). To our knowledge, functional studies have not been reported for this variant. This variant has not been reported in individuals affected with BRCA2-related disorders in the literature. This variant has not been identified in the general population by the Genome Aggregation Database (gnomAD). The available evidence is insufficient to determine the role of this variant in disease conclusively. Therefore, this variant is classified as a Variant of Uncertain Significance.

GeneDx
Classification: Uncertain significance. Last evaluated: 2022-09-23. Review status: criteria provided, single submitter. Criteria: GeneDx Variant Classification Process June 2021. Collection method: clinical testing. Allele origin: germline. Affected: yes.
Comment: Not observed at significant frequency in large population cohorts (gnomAD); In silico analysis supports that this missense variant does not alter protein structure/function; Has not been previously published as pathogenic or benign to our knowledge; Also known as 992A>G

NM_000059.4(BRCA2):c.764A>G (p.Asn255Ser)

Gene: BRCA2 (BRCA2 DNA repair associated; plus strand). Cytogenetic location: 13q13.1.
Variant type: single nucleotide variant.
Coding change: c.764A>G on transcript NM_000059.4 (MANE Select); coding-DNA position 764, A replaced by G.
Protein change: p.Asn255Ser; replaces asparagine 255 with serine.
Molecular consequence: missense variant.
Genome position (GRCh38, 1-based): chr13:32,331,001, A>G. VCF-style: chr13-32331001-A-G. GRCh37 (hg19) VCF-style: chr13-32905138-A-G.
Other names: short protein forms N255S.
Identifiers: ClinVar variation 441421 (VCV000441421.20), dbSNP rs1555281475, ClinGen allele CA387760145.